The following is an entry in ClinVar:

NM_001134382.3(IQSEC1):c.3066C>T (p.Ala1022=)

Gene: IQSEC1 (IQ motif and Sec7 domain ArfGEF 1; minus strand). Cytogenetic location: 3p25.2.
Variant type: single nucleotide variant.
Coding change: c.3066C>T on transcript NM_001134382.3 (MANE Select); coding-DNA position 3066, C replaced by T.
Protein change: p.Ala1022=; no amino-acid change (alanine 1022 retained).
Molecular consequence: synonymous variant. On other transcripts: 3 prime UTR variant (1), intron variant (1).
Genome position (GRCh38, 1-based): chr3:12,901,262, G>A on the plus strand (C>T on the coding strand, the complement: IQSEC1 is on the minus strand). VCF-style: chr3-12901262-G-A. GRCh37 (hg19) VCF-style: chr3-12942761-G-A.
Other names: c.*247C>T (NM_001330619.3); c.3390C>T, p.Ala1130= (NM_001376938.2); c.2847+1511C>T (NM_014869.8).
Identifiers: ClinVar variation 1176149 (VCV001176149.35), dbSNP rs571426372, ClinGen allele CA2261769.

ClinVar aggregate classification (germline): Likely benign (1 of 4 stars; one submission).

Allele frequency attached by ClinVar (database versions not stated): gnomAD 0.00118 and 0.00145; TOPMed 0.00136; gnomAD exomes 0.00216; 1000 Genomes Project 30x 0.00234; 1000 Genomes Project 0.00240; ExAC 0.00472.
gnomAD v4.1: 3,356 of 1,540,788 alleles (0.22%); highest among the groups gnomAD compares: South Asian, 0.63%; 11 homozygotes.

Submission:

CeGaT Center for Human Genetics Tuebingen
Classification: Likely benign. Last evaluated: 2026-07-01. Review status: criteria provided, single submitter. Criteria: CeGaT Center For Human Genetics Tuebingen Variant Classification Criteria Version 2. Collection method: clinical testing. Allele origin: germline. Affected: yes. Observed: 9 variant alleles.
Comment: IQSEC1: BP4, BP7